The following is an entry in ClinVar:

NM_000843.4(GRM6):c.803T>C (p.Met268Thr)

Gene: GRM6 (glutamate metabotropic receptor 6; minus strand). Cytogenetic location: 5q35.3.
Variant type: single nucleotide variant.
Coding change: c.803T>C on transcript NM_000843.4 (MANE Select); coding-DNA position 803, T replaced by C.
Protein change: p.Met268Thr; replaces methionine 268 with threonine.
Molecular consequence: missense variant.
Genome position (GRCh38, 1-based): chr5:178,991,478, A>G on the plus strand (T>C on the coding strand, the complement: GRM6 is on the minus strand). VCF-style: chr5-178991478-A-G. GRCh37 (hg19) VCF-style: chr5-178418479-A-G.
Other names: c.803T>C (NM_000843.3); short protein forms M268T.
Identifiers: ClinVar variation 1057488 (VCV001057488.5), dbSNP rs777165795, ClinGen allele CA3594346.

ClinVar aggregate classification (germline): Uncertain significance. Review status: criteria provided, multiple submitters, no conflicts (2 of 4 stars). 2 submissions from 2 submitters: Uncertain significance (2). Last evaluated 2025-08-26.

Conditions:
Inborn genetic diseases. Identifiers: MedGen C0950123, MeSH D030342.

Allele frequency attached by ClinVar (database versions not stated): gnomAD 0.00001; ExAC 0.00002; TOPMed 0.00002.
gnomAD v4.1: 7 of 1,613,476 alleles (0.00043%); highest among the groups gnomAD compares: Admixed American, 0.012%; no homozygotes.

Submissions (2):

Ambry Genetics
Classification: Uncertain significance for Inborn genetic diseases. Last evaluated: 2025-08-26. Review status: criteria provided, single submitter. Criteria: Ambry Variant Classification Scheme 2023. Collection method: clinical testing. Allele origin: germline.

Labcorp Genetics (formerly Invitae), Labcorp
Classification: Uncertain significance. Last evaluated: 2022-08-20. Review status: criteria provided, single submitter. Criteria: Invitae Variant Classification Sherloc (09022015). Collection method: clinical testing. Allele origin: germline.
Comment: This sequence change replaces methionine, which is neutral and non-polar, with threonine, which is neutral and polar, at codon 268 of the GRM6 protein (p.Met268Thr). This variant is present in population databases (rs777165795, gnomAD 0.01%). This variant has not been reported in the literature in individuals affected with GRM6-related conditions. ClinVar contains an entry for this variant (Variation ID: 1057488). Advanced modeling of protein sequence and biophysical properties (such as structural, functional, and spatial information, amino acid conservation, physicochemical variation, residue mobility, and thermodynamic stability) performed at Invitae indicates that this missense variant is not expected to disrupt GRM6 protein function. In summary, the available evidence is currently insufficient to determine the role of this variant in disease. Therefore, it has been classified as a Variant of Uncertain Significance.